The following is an entry in ClinVar:

ClinVar aggregate classification (germline): Conflicting classifications of pathogenicity. Review status: criteria provided, conflicting classifications (1 of 4 stars). 5 submissions from 4 submitters: Uncertain significance (4); Benign (1). Last evaluated 2026-01-04.

Conditions:
Hereditary cancer-predisposing syndrome. Also called: Neoplastic Syndromes, Hereditary; Hereditary Cancer Syndrome; Hereditary neoplastic syndrome; Tumor predisposition. Identifiers: Orphanet 140162, MedGen C0027672, MeSH D009386, MONDO:0015356.
Cardiovascular phenotype. Identifiers: MedGen CN230736.
Neurofibromatosis, type 1 (NF1). Also called: VON RECKLINGHAUSEN DISEASE; Neurofibromatosis, type I; NEUROFIBROMATOSIS, TYPE I, SOMATIC; Peripheral type neurofibromatosis. Identifiers: Orphanet 636, MedGen C0027831, MONDO:0018975, OMIM 162200. Disease mechanism: loss of function.

Allele frequency attached by ClinVar (database versions not stated): gnomAD exomes 0.00001; ExAC 0.00002.
gnomAD v4.1: 15 of 1,611,812 alleles (0.00093%); highest among the groups gnomAD compares: South Asian, 0.0033%; no homozygotes.

Submissions (5):

Labcorp Genetics (formerly Invitae), Labcorp
Classification: Benign for Neurofibromatosis, type 1. Last evaluated: 2026-01-04. Review status: criteria provided, single submitter. Criteria: Invitae Variant Classification Sherloc (09022015). Collection method: clinical testing. Allele origin: germline.

Genome-Nilou Lab
Classification: Uncertain significance for Neurofibromatosis, type 1. Last evaluated: 2022-03-15. Review status: criteria provided, single submitter. Criteria: ACMG Guidelines, 2015. Collection method: clinical testing. Allele origin: germline. Affected: no.

Ambry Genetics
Classification: Uncertain significance for Cardiovascular phenotype; Hereditary cancer-predisposing syndrome. Last evaluated: 2020-12-04. Review status: criteria provided, single submitter. Criteria: Ambry Variant Classification Scheme 2023. Collection method: clinical testing. Allele origin: germline.

GeneDx
Classification: Uncertain significance. Last evaluated: 2018-04-20. Review status: criteria provided, single submitter. Criteria: GeneDx Variant Classification (06012015). Collection method: clinical testing. Allele origin: germline. Affected: yes.
Comment: This variant is denoted NF1 c.2902A>G at the cDNA level, p.Met968Val (M968V) at the protein level, and results in the change of a Methionine to a Valine (ATG>GTG). This variant has not, to our knowledge, been published in the literature as pathogenic or benign. NF1 Met968Val was observed at an allele frequency of 0.01% (2/30782) in individuals of South Asian ancestry in large population cohorts (Lek 2016). This variant is located in the GTPase activating protein domain (Xu 1990, Luo 2014). In silico analysis, which includes protein predictors and evolutionary conservation, supports that this variant does not alter protein structure/function. Based on currently available evidence, it is unclear whether NF1 Met968Val is a pathogenic or benign variant. We consider it to be a variant of uncertain significance.

Ambry Genetics
Classification: Uncertain significance for Hereditary cancer-predisposing syndrome. Last evaluated: 2014-01-15. Review status: criteria provided, single submitter. Criteria: Ambry Autosomal Dominant and X-Linked criteria (10/2015). Collection method: clinical testing. Allele origin: germline. Observed: 1 variant allele.
Comment: The p.M968V variant (also known as c.2902A>G), located in coding exon 22 of the NF1 gene, results from an A to G substitution at nucleotide position 2902. The methionine at codon 968 is replaced by valine, an amino acid with highly similar properties. A similar alteration at this codon (p.M968R) has been reported in an individual with sporadic NF1 (De Luca A et al. Hum. Mutat. 2003; 21:171-2).The p.M968V variant was not reported in population based cohorts in the following databases: Database of Single Nucleotide Polymorphisms (dbSNP), NHLBI Exome Sequencing Project (ESP), and 1000 Genomes Project.To date, this alteration has been detected with an allele frequency of approximately 0.66% (greater than 150 alleles tested) in our clinical cohort (includes this individual).This amino acid position is highly conserved in available vertebrate species. In addition, this alteration is predicted to be benign and deleterious by PolyPhen and SIFT in silico analyses, respectively.Since supporting evidence is limited at this time, the clinical significance ofp.M968Vremains unclear.

Literature cited by the submitters: PubMed 12552569 (cited by Ambry Genetics).

NM_001042492.3(NF1):c.2902A>G (p.Met968Val)

Gene: NF1 (neurofibromin 1; plus strand). Cytogenetic location: 17q11.2.
Variant type: single nucleotide variant.
Coding change: c.2902A>G on transcript NM_001042492.3 (MANE Select); coding-DNA position 2902, A replaced by G.
Protein change: p.Met968Val; replaces methionine 968 with valine.
Molecular consequence: missense variant.
Genome position (GRCh38, 1-based): chr17:31,229,886, A>G. VCF-style: chr17-31229886-A-G. GRCh37 (hg19) VCF-style: chr17-29556904-A-G.
Other names: c.2902A>G, p.Met968Val (NM_000267.4); short protein forms M968V.
Identifiers: ClinVar variation 141107 (VCV000141107.13), dbSNP rs587781499, ClinGen allele CA164475.